The following is an entry in ClinVar:

NM_015015.3(KDM4B):c.1657C>A (p.His553Asn)

Genes: KDM4B (lysine demethylase 4B; plus strand), LOC130063244 (ATAC-STARR-seq lymphoblastoid active region 13796; plus strand). Cytogenetic location: 19p13.3.
Variant type: single nucleotide variant.
Coding change: c.1657C>A on transcript NM_015015.3 (MANE Select); coding-DNA position 1657, C replaced by A.
Protein change: p.His553Asn; replaces histidine 553 with asparagine.
Molecular consequence: missense variant.
Genome position (GRCh38, 1-based): chr19:5,131,417, C>A. VCF-style: chr19-5131417-C-A. GRCh37 (hg19) VCF-style: chr19-5131428-C-A.
Other names: c.1759C>A, p.His587Asn (NM_001411148.1); short protein forms H553N, H587N.
Identifiers: ClinVar variation 4072641 (VCV004072641.1).

ClinVar aggregate classification (germline): Uncertain significance (1 of 4 stars; one submission).

Submission:

GeneDx
Classification: Uncertain significance. Last evaluated: 2025-01-30. Review status: criteria provided, single submitter. Criteria: GeneDx Variant Classification Process June 2021. Collection method: clinical testing. Allele origin: germline. Affected: yes.
Comment: Not observed at significant frequency in large population cohorts (gnomAD); In silico analysis indicates that this missense variant does not alter protein structure/function; Has not been previously published as pathogenic or benign to our knowledge